The following is an entry in ClinVar:

NM_001318895.3(FHL2):c.596G>A (p.Arg199His)

Genes: C2orf49 (chromosome 2 open reading frame 49; plus strand), FHL2 (four and a half LIM domains 2; minus strand). Cytogenetic location: 2q12.2.
Variant type: single nucleotide variant.
Coding change: c.596G>A on transcript NM_001318895.3 (MANE Select); coding-DNA position 596, G replaced by A.
Protein change: p.Arg199His; replaces arginine 199 with histidine.
Molecular consequence: missense variant.
Genome position (GRCh38, 1-based): chr2:105,363,377, C>T on the plus strand (G>A on the coding strand, the complement: FHL2 is on the minus strand). VCF-style: chr2-105363377-C-T. GRCh37 (hg19) VCF-style: chr2-105979834-C-T.
Other names: c.596G>A, p.Arg199His (NM_001039492.3, NM_001318894.1, NM_001318896.2 and 4 more transcripts); c.254G>A, p.Arg85His (NM_001318897.2, NM_001318898.2); c.272G>A, p.Arg91His (NM_001318899.2); short protein forms R91H, R199H, R85H.
Identifiers: ClinVar variation 2959946 (VCV002959946.3), dbSNP rs756076159, ClinGen allele CA1814698.

ClinVar aggregate classification (germline): Uncertain significance (1 of 4 stars; one submission).

Conditions:
Primary dilated cardiomyopathy (DCM). Also called: Dilated Cardiomyopathy. Identifiers: Orphanet 217604, MedGen C0007193, MeSH D002311, MONDO:0005021, HP:0001644. Inheritance: Various modes of inheritance.

Allele frequency attached by ClinVar (database versions not stated): gnomAD 0.00001; ExAC 0.00001; TOPMed 0.00002.
gnomAD v4.1: 42 of 1,613,972 alleles (0.0026%); highest among the groups gnomAD compares: East Asian, 0.011%; no homozygotes.

Submission:

Labcorp Genetics (formerly Invitae), Labcorp
Classification: Uncertain significance for Primary dilated cardiomyopathy. Last evaluated: 2025-11-02. Review status: criteria provided, single submitter. Criteria: Invitae Variant Classification Sherloc (09022015). Collection method: clinical testing. Allele origin: germline.
Comment: This sequence change replaces arginine, which is basic and polar, with histidine, which is basic and polar, at codon 199 of the FHL2 protein (p.Arg199His). This variant is present in population databases (rs756076159, gnomAD 0.01%). This variant has not been reported in the literature in individuals affected with FHL2-related conditions. ClinVar contains an entry for this variant (Variation ID: 2959946). Invitae Evidence Modeling of protein sequence and biophysical properties (such as structural, functional, and spatial information, amino acid conservation, physicochemical variation, residue mobility, and thermodynamic stability) indicates that this missense variant is not expected to disrupt FHL2 protein function with a negative predictive value of 80%. In summary, the available evidence is currently insufficient to determine the role of this variant in disease. Therefore, it has been classified as a Variant of Uncertain Significance.